The following is an entry in ClinVar:

NM_000540.3(RYR1):c.2501G>A (p.Arg834Gln)

Gene: RYR1 (ryanodine receptor 1; plus strand). Cytogenetic location: 19q13.2.
Variant type: single nucleotide variant.
Coding change: c.2501G>A on transcript NM_000540.3 (MANE Select); coding-DNA position 2501, G replaced by A.
Protein change: p.Arg834Gln; replaces arginine 834 with glutamine.
Molecular consequence: missense variant.
Genome position (GRCh38, 1-based): chr19:38,460,515, G>A. VCF-style: chr19-38460515-G-A. GRCh37 (hg19) VCF-style: chr19-38951155-G-A.
Other names: c.2501G>A, p.Arg834Gln (NM_001042723.2); short protein forms R834Q.
Identifiers: ClinVar variation 648205 (VCV000648205.23), dbSNP rs1314923827, ClinGen allele CA405629738.

ClinVar aggregate classification (germline): Uncertain significance. Review status: criteria provided, multiple submitters, no conflicts (2 of 4 stars). 6 submissions from 6 submitters: Uncertain significance (4). 2 of the submissions do not count toward it. Last evaluated 2025-06-24.

Conditions:
Malignant hyperthermia, susceptibility to, 1 (MHS1). Also called: RYR1-Related Malignant Hyperthermia Susceptibility; Anesthesia related hyperthermia; Malignant hyperpyrexia; Fulminating hyperpyrexia; Pharmacogenic myopathy; Malignant hyperthermia suceptibility 1. Identifiers: Orphanet 423, MedGen C2930980, MONDO:0007783, OMIM 145600.
RYR1-related disorder. Also called: RYR1-related condition; RYR1-related disorders. Identifiers: MedGen CN239331.

Allele frequency attached by ClinVar (database versions not stated): gnomAD exomes below 0.00001 and 0.00001; TOPMed below 0.00001.
gnomAD v4.1: 12 of 1,613,888 alleles (0.00074%); highest among the groups gnomAD compares: East Asian, 0.0067%; no homozygotes.

Submissions (6):

Color Diagnostics, LLC DBA Color Health
Classification: Uncertain significance for Malignant hyperthermia, susceptibility to, 1. Last evaluated: 2025-06-24. Review status: criteria provided, single submitter. Criteria: ACMG Guidelines, 2015. Collection method: clinical testing. Allele origin: germline.
Comment: This missense variant replaces arginine with glutamine at codon 834 of the RYR1 protein. Computational prediction suggests that this variant may not impact protein structure and function. To our knowledge, functional studies have not been reported for this variant. This variant has not been reported in individuals affected with RYR1-related disorders in the literature. This variant has been identified in 1/251126 chromosomes in the general population by the Genome Aggregation Database (gnomAD). The available evidence is insufficient to determine the role of this variant in disease conclusively. Therefore, this variant is classified as a Variant of Uncertain Significance.

CeGaT Center for Human Genetics Tuebingen
Classification: Uncertain significance. Last evaluated: 2024-08-01. Review status: criteria provided, single submitter. Criteria: CeGaT Center For Human Genetics Tuebingen Variant Classification Criteria Version 2. Collection method: clinical testing. Allele origin: germline. Affected: yes. Observed: 1 variant allele.

All of Us Research Program, National Institutes of Health
Classification: Uncertain significance for Malignant hyperthermia, susceptibility to, 1. Last evaluated: 2023-10-30. Review status: criteria provided, single submitter. Criteria: ACMG Guidelines, 2015. Collection method: clinical testing. Allele origin: germline. Inheritance: Autosomal dominant inheritance. Observed: 5 variant alleles, 5 heterozygotes.
Comment: This missense variant replaces arginine with glutamine at codon 834 of the RYR1 protein. Computational prediction suggests that this variant may not impact protein structure and function (internally defined REVEL score threshold <= 0.5, PMID: 27666373). To our knowledge, functional studies have not been reported for this variant. This variant has not been reported in individuals affected with RYR1-related disorders in the literature. This variant has been identified in 1/251126 chromosomes in the general population by the Genome Aggregation Database (gnomAD). The available evidence is insufficient to determine the role of this variant in disease conclusively. Therefore, this variant is classified as a Variant of Uncertain Significance.

This study involves interpretation of variants in research participants for the purpose of population health screening. Participant phenotype was not available at the time of variant classification. Additional details can be found in publication PMID: 35346344, PMCID: PMC8962531

Labcorp Genetics (formerly Invitae), Labcorp
Classification: Uncertain significance for RYR1-related disorder. Last evaluated: 2021-09-02. Review status: criteria provided, single submitter. Criteria: Invitae Variant Classification Sherloc (09022015). Collection method: clinical testing. Allele origin: germline.
Comment: This sequence change replaces arginine with glutamine at codon 834 of the RYR1 protein (p.Arg834Gln). The arginine residue is moderately conserved and there is a small physicochemical difference between arginine and glutamine. This variant is not present in population databases (ExAC no frequency). This variant has not been reported in the literature in individuals affected with RYR1-related conditions. Algorithms developed to predict the effect of missense changes on protein structure and function are either unavailable or do not agree on the potential impact of this missense change (SIFT: "Deleterious"; PolyPhen-2: "Possibly Damaging"; Align-GVGD: "Class C0"). In summary, the available evidence is currently insufficient to determine the role of this variant in disease. Therefore, it has been classified as a Variant of Uncertain Significance.

Clinical Genetics DNA and cytogenetics Diagnostics Lab, Erasmus MC, Erasmus Medical Center
Classification: Likely benign. Review status: no assertion criteria provided. Collection method: clinical testing. Allele origin: germline. Affected: yes. Study: VKGL Data-share Consensus. Not counted in ClinVar's aggregate classification.

Joint Genome Diagnostic Labs from Nijmegen and Maastricht, Radboudumc and MUMC+
Classification: Likely benign. Review status: no assertion criteria provided. Collection method: clinical testing. Allele origin: germline. Affected: yes. Study: VKGL Data-share Consensus. Not counted in ClinVar's aggregate classification.